The following is an entry in ClinVar:

ClinVar aggregate classification (germline): Likely benign. Review status: criteria provided, multiple submitters, no conflicts (2 of 4 stars). 3 submissions from 3 submitters: Likely benign (3). Last evaluated 2026-02-18.

Conditions:
Cone-rod dystrophy 6 (CORD6). Also called: RETINAL CONE DYSTROPHY 2; Cone dystrophy progressive. Identifiers: Orphanet 1872, MedGen C1866293, MONDO:0011143, OMIM 601777.
Leber congenital amaurosis 1 (LCA1). Also called: RETINAL BLINDNESS, CONGENITAL; AMAUROSIS CONGENITA OF LEBER I; Congenital absence of the rods and cones; Leber's congenital tapetoretinal degeneration; Leber's congenital tapetoretinal dysplasia. Identifiers: Orphanet 65, MedGen C2931258, MONDO:0008764, OMIM 204000.
GUCY2D-related disorder. Also called: GUCY2D-related condition.

Allele frequency attached by ClinVar (database versions not stated): TOPMed below 0.00001; gnomAD 0.00001; ExAC 0.00002; gnomAD exomes 0.00002 and 0.00003.
gnomAD v4.1: 41 of 1,600,412 alleles (0.0026%); highest among the groups gnomAD compares: Non-Finnish European, 0.0033%; no homozygotes.

Submissions (3):

PreventionGenetics, part of Exact Sciences
Classification: Likely benign for GUCY2D-related condition. Last evaluated: 2026-02-18. Review status: criteria provided, single submitter. Criteria: ACMG Guidelines, 2015. Collection method: clinical testing. Allele origin: germline.
Comment: This variant is classified as likely benign based on ACMG/AMP sequence variant interpretation guidelines (Richards et al. 2015 PMID: 25741868, with internal and published modifications).

Labcorp Genetics (formerly Invitae), Labcorp
Classification: Likely benign for Leber congenital amaurosis 1; Cone-rod dystrophy 6. Last evaluated: 2024-02-09. Review status: criteria provided, single submitter. Criteria: Invitae Variant Classification Sherloc (09022015). Collection method: clinical testing. Allele origin: germline.

Blueprint Genetics
Classification: Likely benign. Last evaluated: 2023-09-27. Review status: criteria provided, single submitter. Criteria: ACMG Guidelines, 2015. Collection method: clinical testing. Allele origin: germline.

NM_000180.4(GUCY2D):c.1044C>T (p.Gly348=)

Gene: GUCY2D (guanylate cyclase 2D, retinal; plus strand). Cytogenetic location: 17p13.1.
Variant type: single nucleotide variant.
Coding change: c.1044C>T on transcript NM_000180.4 (MANE Select); coding-DNA position 1044, C replaced by T.
Protein change: p.Gly348=; no amino-acid change (glycine 348 retained).
Molecular consequence: synonymous variant.
Genome position (GRCh38, 1-based): chr17:8,006,380, C>T. VCF-style: chr17-8006380-C-T. GRCh37 (hg19) VCF-style: chr17-7909698-C-T.
Other names: c.1044C>T (NM_000180.3).
Identifiers: ClinVar variation 1647063 (VCV001647063.10), dbSNP rs748665297, ClinGen allele CA8365638.